The following is an entry in ClinVar:

ClinVar aggregate classification (germline): Pathogenic (1 of 4 stars; one submission).

Allele frequency attached by ClinVar (database versions not stated): gnomAD exomes below 0.00001; TOPMed 0.00001.

Submission:

Labcorp Genetics (formerly Invitae), Labcorp
Classification: Pathogenic. Last evaluated: 2023-12-07. Review status: criteria provided, single submitter. Criteria: Invitae Variant Classification Sherloc (09022015). Collection method: clinical testing. Allele origin: germline.
Comment: This sequence change creates a premature translational stop signal (p.Gln166Profs*5) in the DNAAF4 gene. It is expected to result in an absent or disrupted protein product. Loss-of-function variants in DNAAF4 are known to be pathogenic (PMID: 23872636). This variant is present in population databases (no rsID available, gnomAD 0.02%). This variant has not been reported in the literature in individuals affected with DNAAF4-related conditions. For these reasons, this variant has been classified as Pathogenic.

Literature cited by the submitters: PubMed 23872636.

NM_130810.4(DNAAF4):c.496dup (p.Gln166fs)

Genes: DNAAF4 (dynein axonemal assembly factor 4; minus strand), DNAAF4-CCPG1 (DNAAF4-CCPG1 readthrough (NMD candidate); minus strand). Cytogenetic location: 15q21.3.
Variant type: Duplication.
Coding change: c.496dup on transcript NM_130810.4 (MANE Select); coding-DNA position 496, one base duplicated (C; older notation c.496dupC).
Protein change: p.Gln166fs; shifts the reading frame from glutamine 166.
Molecular consequence: frameshift variant. On other transcripts: non-coding transcript variant (1).
Genome position (GRCh38, 1-based): chr15:55,467,071, G duplicated on the plus strand (C on the coding strand, the reverse complement: DNAAF4 is on the minus strand). VCF-style (leftmost placement, unchanged base first): chr15-55467070-T-TG. GRCh37 (hg19) VCF-style: chr15-55759268-T-TG.
Other names: c.496dup, p.Gln166fs (NM_001033559.3, NM_001033560.2); short protein forms Q166fs.
Identifiers: ClinVar variation 2733790 (VCV002733790.3), dbSNP rs1450498773, ClinGen allele CA618504863.